The following is an entry in ClinVar:

ClinVar aggregate classification (germline): Uncertain significance. Review status: criteria provided, multiple submitters, no conflicts (2 of 4 stars). 2 submissions from 2 submitters: Uncertain significance (2). Last evaluated 2026-01-27.

Conditions:
Autoimmune lymphoproliferative syndrome, type III caused by mutation in PRKCD. Identifiers: Orphanet 3261, Orphanet 664711, MedGen C3809928, MONDO:8000024, OMIM 615559.

Allele frequency attached by ClinVar (database versions not stated): ESP Exome Variant Server 0.00008; ExAC 0.00010; gnomAD 0.00011; gnomAD exomes 0.00011 and 0.00012; TOPMed 0.00014.
gnomAD v4.1: 191 of 1,613,912 alleles (0.012%); highest among the groups gnomAD compares: Admixed American, 0.017%; no homozygotes.

Submissions (2):

Labcorp Genetics (formerly Invitae), Labcorp
Classification: Uncertain significance for Autoimmune lymphoproliferative syndrome, type III caused by mutation in PRKCD. Last evaluated: 2026-01-27. Review status: criteria provided, single submitter. Criteria: Invitae Variant Classification Sherloc (09022015). Collection method: clinical testing. Allele origin: germline.
Comment: This sequence change replaces arginine, which is basic and polar, with histidine, which is basic and polar, at codon 643 of the PRKCD protein (p.Arg643His). This variant is present in population databases (rs369041593, gnomAD 0.02%). This variant has not been reported in the literature in individuals affected with PRKCD-related conditions. ClinVar contains an entry for this variant (Variation ID: 1057051). An algorithm developed to predict the effect of missense changes on protein structure and function outputs the following: PolyPhen-2: "Benign". The histidine amino acid residue is found in multiple mammalian species, which suggests that this missense change does not adversely affect protein function. In summary, the available evidence is currently insufficient to determine the role of this variant in disease. Therefore, it has been classified as a Variant of Uncertain Significance.

Blueprint Genetics
Classification: Uncertain significance. Last evaluated: 2024-11-04. Review status: criteria provided, single submitter. Criteria: ACMG Guidelines, 2015. Collection method: clinical testing. Allele origin: germline.

NM_006254.4(PRKCD):c.1928G>A (p.Arg643His)

Genes: PRKCD (protein kinase C delta; plus strand), LOC129936899 (ATAC-STARR-seq lymphoblastoid active region 19967; plus strand). Cytogenetic location: 3p21.1.
Variant type: single nucleotide variant.
Coding change: c.1928G>A on transcript NM_006254.4 (MANE Select); coding-DNA position 1928, G replaced by A.
Protein change: p.Arg643His; replaces arginine 643 with histidine.
Molecular consequence: missense variant.
Genome position (GRCh38, 1-based): chr3:53,192,163, G>A. VCF-style: chr3-53192163-G-A. GRCh37 (hg19) VCF-style: chr3-53226179-G-A.
Other names: c.1928G>A, p.Arg643His (NM_001316327.2, NM_001354679.2, NM_001354680.2 and 1 more transcripts); c.1985G>A, p.Arg662His (NM_001354676.2); c.1976G>A, p.Arg659His (NM_001354678.2); short protein forms R643H, R659H, R662H.
Identifiers: ClinVar variation 1057051 (VCV001057051.4), dbSNP rs369041593, ClinGen allele CA2452326.